The following is an entry in ClinVar:

NM_183075.3(CYP2U1):c.209G>C (p.Gly70Ala)

Genes: CYP2U1 (cytochrome P450 family 2 subfamily U member 1; plus strand), CYP2U1-AS1 (CYP2U1 and SGMS2 antisense RNA 1; minus strand). Cytogenetic location: 4q25.
Variant type: single nucleotide variant.
Coding change: c.209G>C on transcript NM_183075.3 (MANE Select); coding-DNA position 209, G replaced by C.
Protein change: p.Gly70Ala; replaces glycine 70 with alanine.
Molecular consequence: missense variant.
Genome position (GRCh38, 1-based): chr4:107,931,852, G>C. VCF-style: chr4-107931852-G-C. GRCh37 (hg19) VCF-style: chr4-108853008-G-C.
Other names: short protein forms G70A.
Identifiers: ClinVar variation 4537483 (VCV004537483.1).
Genomic context (GRCh38, chr4:107,931,852, plus strand): 5'-GGCTGCGGAGGCGCCGGGCGCGGGGCATCCCGCCCGGGCCCACGCCCTGGCCTCTGGTGG[G>C]CAACTTCGGTCACGTGCTGCTGCCTCCCTTCCTCCGGCGGCGGAGCTGGCTGAGCAGCAG-3'
Protein context (NP_898898.1, residues 60-80): PPGPTPWPLV[Gly70Ala]NFGHVLLPPF

ClinVar aggregate classification (germline): Uncertain significance (1 of 4 stars; one submission).

Conditions:
Hereditary spastic paraplegia 56. Also called: Spastic paraplegia 56, autosomal recessive; SPASTIC PARAPLEGIA 56, AUTOSOMAL RECESSIVE, WITH OR WITHOUT PSEUDOXANTHOMA ELASTICUM; Spastic Paraplegia 56. Identifiers: Orphanet 320411, MedGen C3539507, MONDO:0014015, OMIM 615030.

gnomAD v4.1: 1 of 1,544,314 alleles (0.000065%); no homozygotes.

Submission:

Genomic Research Center, Shahid Beheshti University of Medical Sciences
Classification: Uncertain significance for Hereditary spastic paraplegia 56. Last evaluated: 2024-10-24. Review status: criteria provided, single submitter. Criteria: ACMG Guidelines, 2015. Collection method: clinical testing. Allele origin: inherited. Affected: yes. Observed: 1 homozygote.
Comment: This variant is absent in population databases. Computational prediction tools support a deleterious effect on protein function.